The following is an entry in ClinVar:

NM_001165963.4(SCN1A):c.4389T>C (p.Phe1463=)

Genes: SCN1A (sodium voltage-gated channel alpha subunit 1; minus strand), LOC102724058 (uncharacterized LOC102724058; plus strand). Cytogenetic location: 2q24.3.
Variant type: single nucleotide variant.
Coding change: c.4389T>C on transcript NM_001165963.4 (MANE Select); coding-DNA position 4389, T replaced by C.
Protein change: p.Phe1463=; no amino-acid change (phenylalanine 1463 retained).
Molecular consequence: synonymous variant. On other transcripts: non-coding transcript variant (1).
Genome position (GRCh38, 1-based): chr2:165,998,125, A>G on the plus strand (T>C on the coding strand, the complement: SCN1A is on the minus strand). VCF-style: chr2-165998125-A-G. GRCh37 (hg19) VCF-style: chr2-166854635-A-G.
Other names: c.4305T>C, p.Phe1435= (NM_001165964.3, NM_001353957.2, NM_001353958.2); c.4389T>C, p.Phe1463= (NM_001202435.3, NM_001353948.2); c.4356T>C, p.Phe1452= (NM_001353949.2, NM_001353950.2, NM_001353951.2 and 2 more transcripts); c.4353T>C, p.Phe1451= (NM_001353954.2, NM_001353955.2); c.4302T>C, p.Phe1434= (NM_001353960.2); c.1947T>C, p.Phe649= (NM_001353961.2).
Identifiers: ClinVar variation 444530 (VCV000444530.43), dbSNP rs794727375, ClinGen allele CA429892946.
Genomic context (GRCh38, chr2:165,998,125, plus strand): 5'-TATGATGACACCAATAAACAGGTTCAAGGTGAAGAAGGACCCAAAGATGATGAAAATAAC[A>G]AAGTAAAGATACATGTACAGACTTTCTTCATACTTAGGCTGGAGTTCCACCTACCAAAGG-3'
Protein context (NP_001159435.1, residues 1453-1473): YEESLYMYLY[Phe1463=]VIFIIFGSFF

ClinVar aggregate classification (germline): Likely benign (1 of 4 stars; one submission).

Allele frequency attached by ClinVar (database versions not stated): gnomAD exomes below 0.00001; TOPMed below 0.00001; gnomAD 0.00001.
gnomAD v4.1: 2 of 1,606,146 alleles (0.00012%); highest among the groups gnomAD compares: Non-Finnish European, 0.00017%; no homozygotes.

Submission:

CeGaT Center for Human Genetics Tuebingen
Classification: Likely benign. Last evaluated: 2022-06-01. Review status: criteria provided, single submitter. Criteria: CeGaT Center For Human Genetics Tuebingen Variant Classification Criteria Version 2. Collection method: clinical testing. Allele origin: germline. Affected: yes. Observed: 2 variant alleles.
Comment: SCN1A: BP4